The following is an entry in ClinVar:

ClinVar aggregate classification (germline): Likely pathogenic (1 of 4 stars; one submission).

Conditions:
Treacher Collins syndrome 1 (TCS1). Also called: TCOF1-Related Treacher Collins Syndrome. Identifiers: Orphanet 861, MedGen CN315775, MONDO:0007944, OMIM 154500.

Submission:

Clinical Genomics Laboratory, Washington University in St. Louis
Classification: Likely pathogenic for Treacher Collins syndrome 1. Last evaluated: 2025-03-13. Review status: criteria provided, single submitter. Criteria: ACMG Guidelines, 2015. Collection method: clinical testing. Allele origin: germline. Affected: yes.
Comment: The TCOF1 c.4135del (p.Ser1379Profs*197) variant, to our knowledge, has not been reported in the medical literature nor the ClinVar database. This variant is absent from the general population (gnomAD v4.1), indicating it is not a common variant. This variant causes a frameshift by deleting a single nucleotide, leading to a premature termination codon, which is predicted to lead to nonsense mediated decay. Additional truncating variants downstream have been reported in affected individuals with Treacher Collins syndrome (Bowman M et al., PMID: 22317976; Conte C et al., PMID: 21951868; Vincent M et al., PMID: 25790162). Based on available information and the ACMG/AMP guidelines for variant interpretation (Richards S et al., PMID: 25741868), this variant is classified as likely pathogenic.

NM_001371623.1(TCOF1):c.4135del (p.Ser1379fs)

Gene: TCOF1 (treacle ribosome biogenesis factor 1; plus strand). Cytogenetic location: 5q32.
Variant type: Deletion.
Coding change: c.4135del on transcript NM_001371623.1 (MANE Select); coding-DNA position 4135, one base deleted (T; older notation c.4135delT).
Protein change: p.Ser1379fs; shifts the reading frame from serine 1379.
Molecular consequence: frameshift variant.
Genome position (GRCh38, 1-based): chr5:150,396,632, T deleted; the last of 3 consecutive T bases (chr5:150,396,630-150,396,632); deleting any one gives the same sequence. VCF-style (leftmost placement, unchanged base first): chr5-150396629-GT-G. GRCh37 (hg19) VCF-style: chr5-149776192-GT-G.
Other names: c.3904del, p.Ser1302fs (NM_001135245.2); c.4018del, p.Ser1340fs (NM_001195141.2); c.3901del, p.Ser1301fs (NM_001437406.1, NM_000356.4); c.4132del, p.Ser1378fs (NM_001135243.2); c.4021del, p.Ser1341fs (NM_001135244.2); short protein forms S1301fs, S1302fs, S1340fs, S1341fs, S1378fs, S1379fs.
Identifiers: ClinVar variation 4279729 (VCV004279729.1).
Genomic context (GRCh38, chr5:150,396,629, plus strand): 5'-AGGACCCCCAGGAGCAAGAAGAAGAAGAAGCTGGGGGCCGGGGAAGGTGGGGAGGCCTCT[GT>G]TTCCCCAGAAAAGACCTCCACGACTTCCAAGGGGAAAGCAAAGAGAGACAAAGCAAGTGG-3'